The following is an entry in ClinVar:

NM_000455.5(STK11):c.889A>C (p.Arg297=)

Gene: STK11 (serine/threonine kinase 11; plus strand). Cytogenetic location: 19p13.3.
Variant type: single nucleotide variant.
Coding change: c.889A>C on transcript NM_000455.5 (MANE Select); coding-DNA position 889, A replaced by C.
Protein change: p.Arg297=; no amino-acid change (arginine 297 retained).
Molecular consequence: synonymous variant.
Genome position (GRCh38, 1-based): chr19:1,221,975, A>C. VCF-style: chr19-1221975-A-C. GRCh37 (hg19) VCF-style: chr19-1221974-A-C.
Identifiers: ClinVar variation 412544 (VCV000412544.18), dbSNP rs730881978, ClinGen allele CA16616234.

ClinVar aggregate classification (germline): Benign/Likely benign. Review status: criteria provided, multiple submitters, no conflicts (2 of 4 stars). 4 submissions from 4 submitters: Benign (1); Likely benign (3). Last evaluated 2025-04-13.

Conditions:
Hereditary cancer-predisposing syndrome. Also called: Hereditary neoplastic syndrome; Neoplastic Syndromes, Hereditary; Tumor predisposition; Hereditary Cancer Syndrome. Identifiers: Orphanet 140162, MedGen C0027672, MeSH D009386, MONDO:0015356.
Peutz-Jeghers syndrome (PJS). Also called: POLYPOSIS, HAMARTOMATOUS INTESTINAL; POLYPS-AND-SPOTS SYNDROME; Peutz-Jeghers polyposis; Periorificial lentiginosis syndrome. Identifiers: Orphanet 2869, MedGen C0031269, MeSH D010580, MONDO:0008280, OMIM 175200.

Allele frequency attached by ClinVar (database versions not stated): TOPMed below 0.00001.

Submissions (4):

Labcorp Genetics (formerly Invitae), Labcorp
Classification: Likely benign for Peutz-Jeghers syndrome. Last evaluated: 2025-04-13. Review status: criteria provided, single submitter. Criteria: Invitae Variant Classification Sherloc (09022015). Collection method: clinical testing. Allele origin: germline.

Myriad Genetics, Inc.
Classification: Benign for Peutz-Jeghers syndrome. Last evaluated: 2025-03-27. Review status: criteria provided, single submitter. Criteria: Myriad Autosomal Dominant, Autosomal Recessive and X-Linked Classification Criteria (2023). Collection method: clinical testing. Allele origin: unknown.
Comment: This variant is considered benign. This variant is a silent/synonymous amino acid change and it is not expected to impact splicing.

Ambry Genetics
Classification: Likely benign for Hereditary cancer-predisposing syndrome. Last evaluated: 2019-02-26. Review status: criteria provided, single submitter. Criteria: Ambry Variant Classification Scheme 2023. Collection method: clinical testing. Allele origin: germline.

Color Diagnostics, LLC DBA Color Health
Classification: Likely benign for Hereditary cancer-predisposing syndrome. Last evaluated: 2018-10-09. Review status: criteria provided, single submitter. Criteria: ACMG Guidelines, 2015. Collection method: clinical testing. Allele origin: germline.